The following is an entry in ClinVar:

ClinVar aggregate classification (germline): Benign/Likely benign. Review status: criteria provided, multiple submitters, no conflicts (2 of 4 stars). 14 submissions from 13 submitters: Benign (4); Likely benign (6). 4 of the submissions do not count toward it. Last evaluated 2026-07-01.

Conditions:
Usher syndrome type 2A. Also called: RETINAL DISEASE IN USHER SYNDROME TYPE IIA, MODIFIER OF; USHER SYNDROME, TYPE IIA. Identifiers: Orphanet 231178, Orphanet 886, MedGen C1848634, MONDO:0010169, OMIM 276901.
Retinitis pigmentosa 39 (RP39). Identifiers: Orphanet 791, MedGen C3151138, MONDO:0013436, OMIM 613809.

Allele frequency attached by ClinVar (database versions not stated): 1000 Genomes Project 30x 0.00078; gnomAD 0.00291 and 0.00295; ExAC 0.00295; TOPMed 0.00315; ESP Exome Variant Server 0.00292; gnomAD exomes 0.00304; 1000 Genomes Project 0.00080.
gnomAD v4.1: 5,432 of 1,613,796 alleles (0.34%); highest among the groups gnomAD compares: Admixed American, 0.4%; 17 homozygotes.

Submissions (14):

CeGaT Center for Human Genetics Tuebingen
Classification: Likely benign. Last evaluated: 2026-07-01. Review status: criteria provided, single submitter. Criteria: CeGaT Center For Human Genetics Tuebingen Variant Classification Criteria Version 2. Collection method: clinical testing. Allele origin: germline. Affected: yes. Observed: 19 variant alleles.
Comment: USH2A: BP4, BP7, BS2

Labcorp Genetics (formerly Invitae), Labcorp
Classification: Benign. Last evaluated: 2026-02-04. Review status: criteria provided, single submitter. Criteria: Invitae Variant Classification Sherloc (09022015). Collection method: clinical testing. Allele origin: germline.

Blueprint Genetics
Classification: Likely benign. Last evaluated: 2024-11-25. Review status: criteria provided, single submitter. Criteria: ACMG Guidelines, 2015. Collection method: clinical testing. Allele origin: germline.

Genome-Nilou Lab
Classification: Likely benign for Retinitis pigmentosa 39. Last evaluated: 2023-11-04. Review status: criteria provided, single submitter. Criteria: ACMG Guidelines, 2015. Collection method: clinical testing. Allele origin: germline. Affected: no.

Genome-Nilou Lab
Classification: Likely benign for Usher syndrome type 2A. Last evaluated: 2023-11-04. Review status: criteria provided, single submitter. Criteria: ACMG Guidelines, 2015. Collection method: clinical testing. Allele origin: germline. Affected: no.

Mayo Clinic Laboratories, Mayo Clinic
Classification: Benign. Last evaluated: 2022-05-04. Review status: criteria provided, single submitter. Criteria: ACMG Guidelines, 2015. Collection method: clinical testing. Allele origin: germline. Observed: 3 variant alleles.
Comment: BS1, BS2, BP4, BP7

Eurofins Ntd Llc (ga)
Classification: Likely benign. Last evaluated: 2015-02-20. Review status: criteria provided, single submitter. Criteria: EGL Classification Definitions 2015. Collection method: clinical testing. Allele origin: germline. Observed: 1 variant allele, 1 heterozygote.

GeneDx
Classification: Benign. Last evaluated: 2012-05-02. Review status: criteria provided, single submitter. Criteria: GeneDx Variant Classification (06012015). Collection method: clinical testing. Allele origin: germline. Affected: yes.
Comment: This variant is considered likely benign or benign based on one or more of the following criteria: it is a conservative change, it occurs at a poorly conserved position in the protein, it is predicted to be benign by multiple in silico algorithms, and/or has population frequency not consistent with disease.

Laboratory for Molecular Medicine, Mass General Brigham Personalized Medicine
Classification: Benign. Last evaluated: 2012-03-20. Review status: criteria provided, single submitter. Criteria: LMM Criteria. Collection method: clinical testing. Allele origin: germline. Observed: 20 variant alleles.
Comment: Tyr4031Tyr in exon 62 of USH2A: This variant is not expected to have clinical si gnificance because it does not alter an amino acid residue, is not located withi n the splice consensus sequence, has been identified in 0.46% (32/7020) of Europ ean American chromosomes and 0.08% (3/3738) of African American chromosomes in a broad population by the NHLBI Exome sequencing project (n.edu/EVS/; dbSNP rs55921307) and has been reported in cases (5/651 (0.7%)) and controls (9/4482 (0.2%)) with statistically insignificant differences in frequen cy (Dreyer 2008, McGee 2010, Yan 2009).

Breakthrough Genomics
Classification: Likely benign. Review status: criteria provided, single submitter. Criteria: ACMG Guidelines, 2015. Collection method: not provided. Allele origin: germline. Inheritance: Autosomal recessive inheritance. Affected: yes.

Natera, Inc.
Classification: Benign for Usher syndrome type 2A. Last evaluated: 2020-09-16. Review status: no assertion criteria provided. Collection method: clinical testing. Allele origin: germline. Not counted in ClinVar's aggregate classification.

Clinical Genetics DNA and cytogenetics Diagnostics Lab, Erasmus MC, Erasmus Medical Center
Classification: Likely benign. Review status: no assertion criteria provided. Collection method: clinical testing. Allele origin: germline. Affected: yes. Study: VKGL Data-share Consensus. Not counted in ClinVar's aggregate classification.

Clinical Genetics, Academic Medical Center
Classification: Benign. Review status: no assertion criteria provided. Collection method: clinical testing. Allele origin: germline. Affected: yes. Study: VKGL Data-share Consensus. Not counted in ClinVar's aggregate classification.

Joint Genome Diagnostic Labs from Nijmegen and Maastricht, Radboudumc and MUMC+
Classification: Likely benign. Review status: no assertion criteria provided. Collection method: clinical testing. Allele origin: germline. Affected: yes. Study: VKGL Data-share Consensus. Not counted in ClinVar's aggregate classification.

Literature cited by the submitters: PubMed 18273898 (cited by Eurofins Ntd Llc (ga) and Laboratory for Molecular Medicine, Mass General Brigham Personalized Medicine); PubMed 19881469 (cited by Eurofins Ntd Llc (ga) and Laboratory for Molecular Medicine, Mass General Brigham Personalized Medicine); PubMed 20507924 (cited by Eurofins Ntd Llc (ga) and Laboratory for Molecular Medicine, Mass General Brigham Personalized Medicine); PubMed 22004887 (cited by Eurofins Ntd Llc (ga)).

NM_206933.4(USH2A):c.12093C>T (p.Tyr4031=)

Gene: USH2A (usherin; minus strand). Cytogenetic location: 1q41.
Variant type: single nucleotide variant.
Coding change: c.12093C>T on transcript NM_206933.4 (MANE Select); coding-DNA position 12093, C replaced by T.
Protein change: p.Tyr4031=; no amino-acid change (tyrosine 4031 retained).
Molecular consequence: synonymous variant.
Genome position (GRCh38, 1-based): chr1:215,680,350, G>A on the plus strand (C>T on the coding strand, the complement: USH2A is on the minus strand). VCF-style: chr1-215680350-G-A. GRCh37 (hg19) VCF-style: chr1-215853692-G-A.
Other names: p.Y4031Y:TAC>TAT; p.Tyr4031=.
Identifiers: ClinVar variation 48391 (VCV000048391.66), dbSNP rs55921307, ClinGen allele CA143281.